The following is an entry in ClinVar:

NM_001148.6(ANK2):c.8673C>T (p.Pro2891=)

Gene: ANK2 (ankyrin 2; plus strand). Cytogenetic location: 4q26.
Variant type: single nucleotide variant.
Coding change: c.8673C>T on transcript NM_001148.6 (MANE Select); coding-DNA position 8673, C replaced by T.
Protein change: p.Pro2891=; no amino-acid change (proline 2891 retained).
Molecular consequence: synonymous variant. On other transcripts: intron variant (68).
Genome position (GRCh38, 1-based): chr4:113,357,291, C>T. VCF-style: chr4-113357291-C-T. GRCh37 (hg19) VCF-style: chr4-114278447-C-T.
Other names: c.8439C>T, p.Pro2813= (NM_001386142.1); c.5073C>T, p.Pro1691= (NM_001386166.1); c.8814C>T, p.Pro2938= (NM_001386174.1); c.8790C>T, p.Pro2930= (NM_001386175.1); c.4412-3532C>T (NM_001386186.2, NM_001386148.2); c.4214-3532C>T (NM_001354269.3); c.4292-3532C>T (NM_001386187.2); c.4253-3532C>T (NM_001386147.1); and 35 more.
Identifiers: ClinVar variation 238593 (VCV000238593.26), dbSNP rs374884110, ClinGen allele CA3051810.

ClinVar aggregate classification (germline): Conflicting classifications of pathogenicity. Review status: criteria provided, conflicting classifications (1 of 4 stars). 7 submissions from 7 submitters: Uncertain significance (1); Benign (1); Likely benign (4). 1 of the submissions does not count toward it. Last evaluated 2026-01-25.

Conditions:
Cardiovascular phenotype. Identifiers: MedGen CN230736.
Long QT syndrome (LQTS). Identifiers: MedGen C0023976, MeSH D008133, MONDO:0002442. Disease mechanism: loss of function. Inheritance: Various modes of inheritance.
ANK2-related disorder. Also called: ANK2-related condition.
Cardiac arrhythmia, ankyrin-B-related. Also called: ANKYRIN-B SYNDROME. Identifiers: Orphanet 101016, Orphanet 768, MedGen C1970119, MONDO:0010958, OMIM 600919.

Allele frequency attached by ClinVar (database versions not stated): ExAC 0.00004; ESP Exome Variant Server 0.00008; gnomAD 0.00010; TOPMed 0.00011.
gnomAD v4.1: 325 of 1,613,924 alleles (0.02%); highest among the groups gnomAD compares: Non-Finnish European, 0.025%; no homozygotes.

Submissions (7):

Labcorp Genetics (formerly Invitae), Labcorp
Classification: Likely benign for Long QT syndrome. Last evaluated: 2026-01-25. Review status: criteria provided, single submitter. Criteria: Invitae Variant Classification Sherloc (09022015). Collection method: clinical testing. Allele origin: germline.

CeGaT Center for Human Genetics Tuebingen
Classification: Likely benign. Last evaluated: 2025-11-01. Review status: criteria provided, single submitter. Criteria: CeGaT Center For Human Genetics Tuebingen Variant Classification Criteria Version 2. Collection method: clinical testing. Allele origin: germline. Affected: yes. Observed: 1 variant allele.
Comment: ANK2: BP4, BP7

GeneDx
Classification: Likely benign. Last evaluated: 2020-08-25. Review status: criteria provided, single submitter. Criteria: GeneDx Variant Classification Process June 2021. Collection method: clinical testing. Allele origin: germline. Affected: yes.

Ambry Genetics
Classification: Likely benign for Cardiovascular phenotype. Last evaluated: 2019-02-07. Review status: criteria provided, single submitter. Criteria: Ambry Variant Classification Scheme 2023. Collection method: clinical testing. Allele origin: germline.

Women's Health and Genetics/Laboratory Corporation of America, LabCorp
Classification: Benign. Last evaluated: 2018-11-12. Review status: criteria provided, single submitter. Criteria: LabCorp Variant Classification Summary - May 2015. Collection method: clinical testing. Allele origin: germline.
Comment: Variant summary: ANK2 c.8673C>T alters a non-conserved nucleotide resulting in a synonymous change. 5/5 computational tools predict no significant impact on normal splicing. However, these predictions have yet to be confirmed by functional studies. The variant allele was found at a frequency of 6.9e-05 in 276630 control chromosomes (gnomAD). The observed variant frequency is approximately 7-fold of the estimated maximal expected allele frequency for a pathogenic variant in ANK2 causing Arrhythmia phenotype (1e-05), strongly suggesting that the variant is benign. To our knowledge, no occurrence of c.8673C>T in individuals affected with Arrhythmia and no experimental evidence demonstrating its impact on protein function have been reported. Three clinical diagnostic laboratories have submitted clinical-significance assessments for this variant to ClinVar after 2014 without evidence for independent evaluation. Based on the evidence outlined above, the variant was classified as benign.

Illumina Laboratory Services, Illumina
Classification: Uncertain significance for Cardiac arrhythmia, ankyrin-B-related. Last evaluated: 2018-01-12. Review status: criteria provided, single submitter. Criteria: ICSL Variant Classification Criteria 13 December 2019. Collection method: clinical testing. Allele origin: germline.

PreventionGenetics, part of Exact Sciences
Classification: Likely benign for ANK2-related condition. Last evaluated: 2019-03-01. Review status: no assertion criteria provided. Collection method: clinical testing. Allele origin: germline. Not counted in ClinVar's aggregate classification.
Comment: This variant is classified as likely benign based on ACMG/AMP sequence variant interpretation guidelines (Richards et al. 2015 PMID: 25741868, with internal and published modifications).